The following is an entry in ClinVar:

ClinVar aggregate classification (germline): Uncertain significance (1 of 4 stars; one submission).

Conditions:
Primary familial hypertrophic cardiomyopathy (HCM). Identifiers: Orphanet 99739, MedGen C0949658, MeSH D024741, MONDO:0024573. Inheritance: Various modes of inheritance.

Allele frequency attached by ClinVar (database versions not stated): gnomAD 0.00002; TOPMed 0.00003.

Submission:

Labcorp Genetics (formerly Invitae), Labcorp
Classification: Uncertain significance for Primary familial hypertrophic cardiomyopathy. Last evaluated: 2025-02-06. Review status: criteria provided, single submitter. Criteria: Invitae Variant Classification Sherloc (09022015). Collection method: clinical testing. Allele origin: germline.
Comment: This sequence change creates a premature translational stop signal (p.Arg436*) in the ILK gene. While this is not anticipated to result in nonsense mediated decay, it is expected to disrupt the last 17 amino acid(s) of the ILK protein. This variant is present in population databases (no rsID available, gnomAD 0.007%). This variant has not been reported in the literature in individuals affected with ILK-related conditions. ClinVar contains an entry for this variant (Variation ID: 654152). Experimental studies and prediction algorithms are not available or were not evaluated, and the functional significance of this variant is currently unknown. In summary, the available evidence is currently insufficient to determine the role of this variant in disease. Therefore, it has been classified as a Variant of Uncertain Significance.

NM_004517.4(ILK):c.1306C>T (p.Arg436Ter)

Genes: TAF10 (TATA-box binding protein associated factor 10; minus strand), ILK (integrin linked kinase; plus strand). Cytogenetic location: 11p15.4.
Variant type: single nucleotide variant.
Coding change: c.1306C>T on transcript NM_004517.4 (MANE Select); coding-DNA position 1306, C replaced by T.
Protein change: p.Arg436Ter; replaces arginine 436 with a stop codon.
Molecular consequence: nonsense. On other transcripts: 3 prime UTR variant (1).
Genome position (GRCh38, 1-based): chr11:6,610,558, C>T. VCF-style: chr11-6610558-C-T. GRCh37 (hg19) VCF-style: chr11-6631789-C-T.
Other names: c.1306C>T, p.Arg436Ter (NM_001014794.3, NM_001014795.3); c.1123C>T, p.Arg375Ter (NM_001278441.2); c.904C>T, p.Arg302Ter (NM_001278442.2); c.*364G>A (NM_006284.4); short protein forms R302*, R375*, R436*.
Identifiers: ClinVar variation 654152 (VCV000654152.9), dbSNP rs1477497923, ClinGen allele CA379468333.